The following is an entry in ClinVar:

ClinVar aggregate classification (germline): Likely benign. Review status: criteria provided, multiple submitters, no conflicts (2 of 4 stars). 2 submissions from 2 submitters: Likely benign (2). Last evaluated 2025-01-01.

Conditions:
Dilated cardiomyopathy 1G (CMD1G). Identifiers: Orphanet 154, MedGen C1858763, MONDO:0011400, OMIM 604145.
Autosomal recessive limb-girdle muscular dystrophy type 2J (LGMDR10). Also called: Limb-girdle muscular dystrophy, type 2J; MUSCULAR DYSTROPHY, LIMB-GIRDLE, AUTOSOMAL RECESSIVE 10. Identifiers: Orphanet 140922, MedGen C1837342, MONDO:0012127, OMIM 608807.

Allele frequency attached by ClinVar (database versions not stated): gnomAD 0.00001.
gnomAD v4.1: 3 of 1,613,732 alleles (0.00019%); highest among the groups gnomAD compares: Admixed American, 0.0017%; no homozygotes.

Submissions (2):

CeGaT Center for Human Genetics Tuebingen
Classification: Likely benign. Last evaluated: 2025-01-01. Review status: criteria provided, single submitter. Criteria: CeGaT Center For Human Genetics Tuebingen Variant Classification Criteria Version 2. Collection method: clinical testing. Allele origin: germline. Affected: yes. Observed: 1 variant allele.
Comment: TTN: BP4, BP7

Labcorp Genetics (formerly Invitae), Labcorp
Classification: Likely benign for Dilated cardiomyopathy 1G; Autosomal recessive limb-girdle muscular dystrophy type 2J. Last evaluated: 2023-09-08. Review status: criteria provided, single submitter. Criteria: Invitae Variant Classification Sherloc (09022015). Collection method: clinical testing. Allele origin: germline.

NM_001267550.2(TTN):c.15111T>A (p.Ala5037=)

Gene: TTN (titin; minus strand). Cytogenetic location: 2q31.2.
Variant type: single nucleotide variant.
Coding change: c.15111T>A on transcript NM_001267550.2 (MANE Select); coding-DNA position 15111, T replaced by A.
Protein change: p.Ala5037=; no amino-acid change (alanine 5037 retained).
Molecular consequence: synonymous variant. On other transcripts: intron variant (3).
Genome position (GRCh38, 1-based): chr2:178,734,813, A>T on the plus strand (T>A on the coding strand, the complement: TTN is on the minus strand). VCF-style: chr2-178734813-A-T. GRCh37 (hg19) VCF-style: chr2-179599540-A-T.
Other names: c.14160T>A, p.Ala4720= (NM_001256850.1); c.11379T>A, p.Ala3793= (NM_133378.4); c.13282+3269T>A (NM_003319.4); c.13858+3269T>A (NM_133437.4); c.13657+3269T>A (NM_133432.3).
Identifiers: ClinVar variation 1623970 (VCV001623970.21), dbSNP rs2081160520, ClinGen allele CA430294475.